The following is an entry in ClinVar:

ClinVar aggregate classification (germline): Uncertain significance. Review status: criteria provided, multiple submitters, no conflicts (2 of 4 stars). 2 submissions from 2 submitters: Uncertain significance (2). Last evaluated 2026-06-12.

Conditions:
Hereditary cancer-predisposing syndrome. Also called: Neoplastic Syndromes, Hereditary; Tumor predisposition; Hereditary Cancer Syndrome; Hereditary neoplastic syndrome. Identifiers: Orphanet 140162, MedGen C0027672, MeSH D009386, MONDO:0015356.
POLD1-related polyposis and colorectal cancer syndrome (CRCS10). Also called: Colorectal cancer 10; COLORECTAL CANCER, SUSCEPTIBILITY TO, ON CHROMOSOME 19q; Colorectal cancer, susceptibility to, 10. Identifiers: Orphanet 220460, MedGen C2675481, MONDO:0012953, OMIM 612591.

Submissions (2):

Ambry Genetics
Classification: Uncertain significance for Hereditary cancer-predisposing syndrome. Last evaluated: 2026-06-12. Review status: criteria provided, single submitter. Criteria: Ambry Variant Classification Scheme 2023. Collection method: clinical testing. Allele origin: germline.
Comment: The p.L559P variant (also known as c.1676T>C), located in coding exon 12 of the POLD1 gene, results from a T to C substitution at nucleotide position 1676. The leucine at codon 559 is replaced by proline, an amino acid with similar properties. This amino acid position is conserved. In addition, this alteration is predicted to be deleterious by in silico analysis. Based on the available evidence, the clinical significance of this variant remains unclear.

Labcorp Genetics (formerly Invitae), Labcorp
Classification: Uncertain significance for POLD1-related polyposis and colorectal cancer syndrome. Last evaluated: 2023-05-11. Review status: criteria provided, single submitter. Criteria: Invitae Variant Classification Sherloc (09022015). Collection method: clinical testing. Allele origin: germline.
Comment: This sequence change replaces leucine, which is neutral and non-polar, with proline, which is neutral and non-polar, at codon 559 of the POLD1 protein (p.Leu559Pro). This variant is not present in population databases (gnomAD no frequency). This variant has not been reported in the literature in individuals affected with POLD1-related conditions. Advanced modeling of protein sequence and biophysical properties (such as structural, functional, and spatial information, amino acid conservation, physicochemical variation, residue mobility, and thermodynamic stability) performed at Invitae indicates that this missense variant is expected to disrupt POLD1 protein function. In summary, the available evidence is currently insufficient to determine the role of this variant in disease. Therefore, it has been classified as a Variant of Uncertain Significance.

NM_002691.4(POLD1):c.1676T>C (p.Leu559Pro)

Gene: POLD1 (DNA polymerase delta 1, catalytic subunit; plus strand). Cytogenetic location: 19q13.33.
Variant type: single nucleotide variant.
Coding change: c.1676T>C on transcript NM_002691.4 (MANE Select); coding-DNA position 1676, T replaced by C.
Protein change: p.Leu559Pro; replaces leucine 559 with proline.
Molecular consequence: missense variant. On other transcripts: non-coding transcript variant (1).
Genome position (GRCh38, 1-based): chr19:50,407,164, T>C. VCF-style: chr19-50407164-T-C. GRCh37 (hg19) VCF-style: chr19-50910421-T-C.
Other names: c.1676T>C (NM_002691.2); c.1676T>C, p.Leu559Pro (NM_001256849.1, NM_001308632.1); short protein forms L559P.
Identifiers: ClinVar variation 2863011 (VCV002863011.4), dbSNP rs2514001249, ClinGen allele CA406981108.
Genomic context (GRCh38, chr19:50,407,164, plus strand): 5'-CTGGCGTGCCCCTCAGCTACCTGCTCAGTCGTGGCCAGCAGGTCAAGGTCGTATCCCAGC[T>C]GTTGCGGCAGGTCAGTAGCCGAGACTTGTCCTCGCCACCCCCCACCAGGCACGTCTGTGG-3'
Protein context (NP_002682.2, residues 549-569): RGQQVKVVSQ[Leu559Pro]LRQAMHEGLL